The following is an entry in ClinVar:

ClinVar aggregate classification (germline): Uncertain significance (1 of 4 stars; one submission).

Allele frequency attached by ClinVar (database versions not stated): TOPMed below 0.00001; gnomAD exomes 0.00001.
gnomAD v4.1: 4 of 1,614,028 alleles (0.00025%); highest among the groups gnomAD compares: Admixed American, 0.0017%; no homozygotes.

Submission:

Women's Health and Genetics/Laboratory Corporation of America, LabCorp
Classification: Uncertain significance. Last evaluated: 2023-12-27. Review status: criteria provided, single submitter. Criteria: LabCorp Variant Classification Summary - May 2015. Collection method: clinical testing. Allele origin: germline.
Comment: Variant summary: GRM1 c.26T>C (p.Phe9Ser) results in a non-conservative amino acid change in the encoded protein sequence. Two of four in-silico tools predict a benign effect of the variant on protein function. The variant allele was found at a frequency of 4e-06 in 251010 control chromosomes (gnomAD). The available data on variant occurrences in the general population are insufficient to allow any conclusion about variant significance. To our knowledge, no occurrence of c.26T>C in individuals affected with Autosomal Recessive Spinocerebellar Ataxia and no experimental evidence demonstrating its impact on protein function have been reported. No submitters have cited clinical-significance assessments for this variant to ClinVar after 2014. Based on the evidence outlined above, the variant was classified as uncertain significance.

NM_001278064.2(GRM1):c.26T>C (p.Phe9Ser)

Gene: GRM1 (glutamate metabotropic receptor 1; plus strand). Cytogenetic location: 6q24.3.
Variant type: single nucleotide variant.
Coding change: c.26T>C on transcript NM_001278064.2 (MANE Select); coding-DNA position 26, T replaced by C.
Protein change: p.Phe9Ser; replaces phenylalanine 9 with serine.
Molecular consequence: missense variant.
Genome position (GRCh38, 1-based): chr6:146,029,543, T>C. VCF-style: chr6-146029543-T-C. GRCh37 (hg19) VCF-style: chr6-146350679-T-C.
Other names: c.26T>C, p.Phe9Ser (NM_001278065.2, NM_001278066.1, NM_001278067.1); short protein forms F9S.
Identifiers: ClinVar variation 2691425 (VCV002691425.1), dbSNP rs1339024978, ClinGen allele CA365956786.